The following is an entry in ClinVar:

NM_017570.5(OPLAH):c.863C>T (p.Ser288Leu)

Gene: OPLAH (5-oxoprolinase, ATP-hydrolysing; minus strand). Cytogenetic location: 8q24.3.
Variant type: single nucleotide variant.
Coding change: c.863C>T on transcript NM_017570.5 (MANE Select); coding-DNA position 863, C replaced by T.
Protein change: p.Ser288Leu; replaces serine 288 with leucine.
Molecular consequence: missense variant.
Genome position (GRCh38, 1-based): chr8:144,058,325, G>A on the plus strand (C>T on the coding strand, the complement: OPLAH is on the minus strand). VCF-style: chr8-144058325-G-A. GRCh37 (hg19) VCF-style: chr8-145113228-G-A.
Other names: c.863C>T (NM_017570.3); short protein forms S288L.
Identifiers: ClinVar variation 2162870 (VCV002162870.2), dbSNP rs782134508, ClinGen allele CA4932119.

ClinVar aggregate classification (germline): Uncertain significance. Review status: criteria provided, multiple submitters, no conflicts (2 of 4 stars). 2 submissions from 2 submitters: Uncertain significance (2). Last evaluated 2025-06-12.

Conditions:
5-Oxoprolinase deficiency (OPLAHD). Also called: 5-OXOPROLINURIA DUE TO 5-OXOPROLINASE DEFICIENCY. Identifiers: Orphanet 33572, MedGen C0268525, MONDO:0009825, OMIM 260005, HP:0040142.

Allele frequency attached by ClinVar (database versions not stated): 1000 Genomes Project 30x 0.00016.
gnomAD v4.1: 17 of 1,601,370 alleles (0.0011%); highest among the groups gnomAD compares: Admixed American, 0.015%; no homozygotes.

Submissions (2):

Ambry Genetics
Classification: Uncertain significance. Last evaluated: 2025-06-12. Review status: criteria provided, single submitter. Criteria: Ambry Variant Classification Scheme 2023. Collection method: clinical testing. Allele origin: germline.

Labcorp Genetics (formerly Invitae), Labcorp
Classification: Uncertain significance for 5-Oxoprolinase deficiency. Last evaluated: 2022-06-04. Review status: criteria provided, single submitter. Criteria: Invitae Variant Classification Sherloc (09022015). Collection method: clinical testing. Allele origin: germline.
Comment: This sequence change replaces serine, which is neutral and polar, with leucine, which is neutral and non-polar, at codon 288 of the OPLAH protein (p.Ser288Leu). This variant is present in population databases (rs782134508, gnomAD 0.01%). This variant has not been reported in the literature in individuals affected with OPLAH-related conditions. Algorithms developed to predict the effect of missense changes on protein structure and function are either unavailable or do not agree on the potential impact of this missense change (SIFT: "Not Available"; PolyPhen-2: "Probably Damaging"; Align-GVGD: "Not Available"). In summary, the available evidence is currently insufficient to determine the role of this variant in disease. Therefore, it has been classified as a Variant of Uncertain Significance.